The following is an entry in ClinVar:

NM_020812.4(DOCK6):c.3711+4A>G

Genes: DOCK6 (dedicator of cytokinesis 6; minus strand), DOCK6-AS1 (DOCK6 antisense RNA 1; plus strand). Cytogenetic location: 19p13.2.
Variant type: single nucleotide variant.
Coding change: c.3711+4A>G on transcript NM_020812.4 (MANE Select); 4 bases into the intron after coding-DNA position 3711, A replaced by G.
Molecular consequence: intron variant.
Genome position (GRCh38, 1-based): chr19:11,217,227, T>C on the plus strand (A>G on the coding strand, the complement: DOCK6 is on the minus strand). VCF-style: chr19-11217227-T-C. GRCh37 (hg19) VCF-style: chr19-11327903-T-C.
Other names: c.3816+4A>G (NM_001367830.1).
Identifiers: ClinVar variation 2201308 (VCV002201308.3), dbSNP rs1306711555, ClinGen allele CA632116108.

ClinVar aggregate classification (germline): Uncertain significance (1 of 4 stars; one submission).

Allele frequency attached by ClinVar (database versions not stated): gnomAD exomes below 0.00001; gnomAD 0.00001; TOPMed 0.00001.
gnomAD v4.1: 2 of 1,611,490 alleles (0.00012%); highest among the groups gnomAD compares: Admixed American, 0.0017%; no homozygotes.

Submission:

Labcorp Genetics (formerly Invitae), Labcorp
Classification: Uncertain significance. Last evaluated: 2022-08-16. Review status: criteria provided, single submitter. Criteria: Invitae Variant Classification Sherloc (09022015). Collection method: clinical testing. Allele origin: germline.
Comment: This sequence change falls in intron 29 of the DOCK6 gene. It does not directly change the encoded amino acid sequence of the DOCK6 protein. It affects a nucleotide within the consensus splice site. This variant is not present in population databases (gnomAD no frequency). This variant has not been reported in the literature in individuals affected with DOCK6-related conditions. Variants that disrupt the consensus splice site are a relatively common cause of aberrant splicing (PMID: 17576681, 9536098). Algorithms developed to predict the effect of sequence changes on RNA splicing suggest that this variant may disrupt the consensus splice site. In summary, the available evidence is currently insufficient to determine the role of this variant in disease. Therefore, it has been classified as a Variant of Uncertain Significance.

Literature cited by the submitters: PubMed 17576681; PubMed 9536098.